The following is an entry in ClinVar:

ClinVar aggregate classification (germline): Uncertain significance (1 of 4 stars; one submission).

Conditions:
SEMA3D-related disorder. Also called: SEMA3D-related condition.

gnomAD v4.1: 2 of 1,601,270 alleles (0.00012%); highest among the groups gnomAD compares: African/African-American, 0.0027%; no homozygotes.

Submission:

PreventionGenetics, part of Exact Sciences
Classification: Uncertain significance for SEMA3D-related condition. Last evaluated: 2025-09-16. Review status: criteria provided, single submitter. Criteria: ACMG Guidelines, 2015. Collection method: clinical testing. Allele origin: germline.
Comment: The SEMA3D c.491A>G variant is predicted to result in the amino acid substitution p.Lys164Arg. To our knowledge, this variant has not been reported in the literature. This variant is reported in 0.0062% of alleles in individuals of African descent in gnomAD. At this time, the clinical significance of this variant is uncertain due to the absence of conclusive functional and genetic evidence.

NM_001384900.1(SEMA3D):c.491A>G (p.Lys164Arg)

Gene: SEMA3D (semaphorin 3D; minus strand). Cytogenetic location: 7q21.11.
Variant type: single nucleotide variant.
Coding change: c.491A>G on transcript NM_001384900.1 (MANE Select); coding-DNA position 491, A replaced by G.
Protein change: p.Lys164Arg; replaces lysine 164 with arginine.
Molecular consequence: missense variant.
Genome position (GRCh38, 1-based): chr7:85,072,966, T>C on the plus strand (A>G on the coding strand, the complement: SEMA3D is on the minus strand). VCF-style: chr7-85072966-T-C. GRCh37 (hg19) VCF-style: chr7-84702282-T-C.
Other names: c.491A>G, p.Lys164Arg (NM_001384901.1, NM_001384902.1, NM_001384903.1 and 1 more transcripts); short protein forms K164R.
Identifiers: ClinVar variation 4979963 (VCV004979963.1).
Genomic context (GRCh38, chr7:85,072,966, plus strand): 5'-TTAAGTAGTAATGTATTACAATAAATTATGCTTTTCATGCTTTTTCATTATATTACCTCC[T>C]TGTAGACTCCAAGATCAATATACCCACATATTGGATGAAATGCTCCAGTTCCACACACAT-3'
Protein context (NP_001371829.1, residues 154-174): ICGYIDLGVY[Lys164Arg]EDIIFKLDTH